The following is an entry in ClinVar:

NM_001197224.4(BEAN1):c.152-2560A>C

Gene: BEAN1 (brain expressed associated with NEDD4 1; plus strand). Cytogenetic location: 16q21.
Variant type: single nucleotide variant.
Coding change: c.152-2560A>C on transcript NM_001197224.4; 2560 bases into the intron before coding-DNA position 152, A replaced by C.
Molecular consequence: intron variant.
Genome position (GRCh38, 1-based): chr16:66,490,402, A>C. VCF-style: chr16-66490402-A-C. GRCh37 (hg19) VCF-style: chr16-66524305-A-C.
Identifiers: ClinVar variation 3771995 (VCV003771995.13).

ClinVar aggregate classification (germline): Benign (1 of 4 stars; one submission).

Submission:

CeGaT Center for Human Genetics Tuebingen
Classification: Benign. Last evaluated: 2025-10-01. Review status: criteria provided, single submitter. Criteria: CeGaT Center For Human Genetics Tuebingen Variant Classification Criteria Version 2. Collection method: clinical testing. Allele origin: germline. Affected: yes. Observed: 4 variant alleles.
Comment: BEAN1: BS1, BS2